The following is an entry in ClinVar:

ClinVar aggregate classification (germline): Pathogenic (1 of 4 stars; one submission).

Conditions:
Severe hemophilia A. Identifiers: Orphanet 169802, MedGen C0272322, MONDO:0015719.

Submission:

Clinical Genetics Laboratory, Skane University Hospital Lund
Classification: Pathogenic for Severe hemophilia A. Last evaluated: 2026-01-30. Review status: criteria provided, single submitter. Criteria: ACMG Guidelines, 2015. Collection method: clinical testing. Allele origin: germline. Inheritance: X-linked inheritance. Affected: yes.
Comment: F8 (NM_000132.4) c.954_955del, p.(Leu319Aspfs*18) represents a deletion of two base pairs in exon 7 of 26, resulting in a frameshift and a premature stop codon, and consequently a truncated protein or loss of protein expression from the gene. The variant has not previously been observed in the general population (gnomAD v4.1.0), but has been identified in two probands with severe hemophilia in our local database and has additionally been reported on two occasions in the hemophilia-specific databases EAHAD and CHAMPS (PS4_Moderate). In one family investigated at our laboratory, segregation across three meioses has been observed (PP1_Moderate). F8 c.954_955del has been classified as pathogenic using gene-specific criteria (ClinGen Coagulation Factor Deficiency Expert Panel Specifications to the ACMG/AMP Variant Interpretation Guidelines for F8, Version 2.0.0): PVS1, PS4_Moderate, PM2_Supporting, PP1_Moderate.

NM_000132.4(F8):c.954_955del (p.Leu319fs)

Gene: F8 (coagulation factor VIII; minus strand). Cytogenetic location: Xq28.
Variant type: Microsatellite.
Coding change: c.954_955del on transcript NM_000132.4 (MANE Select); coding-DNA positions 954 to 955, 2 bases deleted (CT; older notation c.954_955delCT).
Protein change: p.Leu319fs; shifts the reading frame from leucine 319.
Molecular consequence: frameshift variant.
Genome position (GRCh38, 1-based): chrX:154,969,385-154,969,386, AG deleted on the plus strand (CT on the coding strand, the reverse complement: F8 is on the minus strand); deleting any 2 consecutive bases within chrX:154,969,385-154,969,388 gives the same sequence; the c. name uses the placement nearest the transcript's 3' end. VCF-style (leftmost placement, unchanged base first): chrX-154969384-AAG-A. GRCh37 (hg19) VCF-style: chrX-154197659-AAG-A.
Other names: short protein forms L319fs.
Identifiers: ClinVar variation 3337861 (VCV003337861.2).